The following is an entry in ClinVar:

ClinVar aggregate classification (germline): Uncertain significance (1 of 4 stars; one submission).

Conditions:
Inborn genetic diseases. Identifiers: MedGen C0950123, MeSH D030342.

Submission:

Ambry Genetics
Classification: Uncertain significance for Inborn genetic diseases. Last evaluated: 2021-12-11. Review status: criteria provided, single submitter. Criteria: Ambry Variant Classification Scheme 2023. Collection method: clinical testing. Allele origin: germline.
Comment: The p.N114K variant (also known as c.342C>A), located in coding exon 5 of the ERCC2 gene, results from a C to A substitution at nucleotide position 342. The asparagine at codon 114 is replaced by lysine, an amino acid with similar properties. This amino acid position is conserved. In addition, the in silico prediction for this alteration is inconclusive. Since supporting evidence is limited at this time, the clinical significance of this alteration remains unclear.

NM_000400.4(ERCC2):c.342C>A (p.Asn114Lys)

Gene: ERCC2 (ERCC excision repair 2, TFIIH core complex helicase subunit; minus strand). Cytogenetic location: 19q13.32.
Variant type: single nucleotide variant.
Coding change: c.342C>A on transcript NM_000400.4 (MANE Select); coding-DNA position 342, C replaced by A.
Protein change: p.Asn114Lys; replaces asparagine 114 with lysine.
Molecular consequence: missense variant.
Genome position (GRCh38, 1-based): chr19:45,368,648, G>T on the plus strand (C>A on the coding strand, the complement: ERCC2 is on the minus strand). VCF-style: chr19-45368648-G-T. GRCh37 (hg19) VCF-style: chr19-45871906-G-T.
Other names: c.270C>A, p.Asn90Lys (NM_001130867.2); short protein forms N114K, N90K.
Identifiers: ClinVar variation 1731338 (VCV001731338.2), dbSNP rs2514043687, ClinGen allele CA406378047.